The following is an entry in ClinVar:

ClinVar aggregate classification (germline): Likely benign (1 of 4 stars; one submission).

Submission:

CeGaT Center for Human Genetics Tuebingen
Classification: Likely benign. Last evaluated: 2024-05-01. Review status: criteria provided, single submitter. Criteria: CeGaT Center For Human Genetics Tuebingen Variant Classification Criteria Version 2. Collection method: clinical testing. Allele origin: germline. Affected: yes. Observed: 1 variant allele.
Comment: BPTF: BP4, BP7

NM_182641.4(BPTF):c.8049T>A (p.Pro2683=)

Gene: BPTF (bromodomain PHD finger transcription factor; plus strand). Cytogenetic location: 17q24.2.
Variant type: single nucleotide variant.
Coding change: c.8049T>A on transcript NM_182641.4 (MANE Select); coding-DNA position 8049, T replaced by A.
Protein change: p.Pro2683=; no amino-acid change (proline 2683 retained).
Molecular consequence: synonymous variant.
Genome position (GRCh38, 1-based): chr17:67,959,663, T>A. VCF-style: chr17-67959663-T-A. GRCh37 (hg19) VCF-style: chr17-65955779-T-A.
Other names: c.7998T>A, p.Pro2666= (NM_004459.7).
Identifiers: ClinVar variation 3239144 (VCV003239144.19), dbSNP rs1433061046.